The following is an entry in ClinVar:

NM_004385.5(VCAN):c.9839C>G (p.Pro3280Arg)

Gene: VCAN (versican; plus strand). Cytogenetic location: 5q14.3.
Variant type: single nucleotide variant.
Coding change: c.9839C>G on transcript NM_004385.5 (MANE Select); coding-DNA position 9839, C replaced by G.
Protein change: p.Pro3280Arg; replaces proline 3280 with arginine.
Molecular consequence: missense variant.
Genome position (GRCh38, 1-based): chr5:83,572,519, C>G. VCF-style: chr5-83572519-C-G. GRCh37 (hg19) VCF-style: chr5-82868338-C-G.
Other names: c.1616C>G, p.Pro539Arg (NM_001126336.3); c.6878C>G, p.Pro2293Arg (NM_001164097.2); c.4577C>G, p.Pro1526Arg (NM_001164098.2); short protein forms P1526R, P2293R, P3280R, P539R.
Identifiers: ClinVar variation 2003272 (VCV002003272.4), dbSNP rs2479169652, ClinGen allele CA360298774.
Genomic context (GRCh38, chr5:83,572,519, plus strand): 5'-CTGCTGGAGAAGACTGTGTTGTAATCATTTGGCATGAGAATGGCCAGTGGAATGATGTTC[C>G]CTGCAATTACCATCTCACCTATACGTGCAAGAAAGGAACAGGTAATGATCACCCTGTTAA-3'
Protein context (NP_004376.2, residues 3270-3290): WHENGQWNDV[Pro3280Arg]CNYHLTYTCK

ClinVar aggregate classification (germline): Uncertain significance (1 of 4 stars; one submission).

Submission:

Labcorp Genetics (formerly Invitae), Labcorp
Classification: Uncertain significance. Last evaluated: 2025-04-07. Review status: criteria provided, single submitter. Criteria: Invitae Variant Classification Sherloc (09022015). Collection method: clinical testing. Allele origin: germline.
Comment: This sequence change replaces proline, which is neutral and non-polar, with arginine, which is basic and polar, at codon 3280 of the VCAN protein (p.Pro3280Arg). This variant is not present in population databases (gnomAD no frequency). This variant has not been reported in the literature in individuals affected with VCAN-related conditions. ClinVar contains an entry for this variant (Variation ID: 2003272). An algorithm developed to predict the effect of missense changes on protein structure and function (PolyPhen-2) suggests that this variant is likely to be disruptive. In summary, the available evidence is currently insufficient to determine the role of this variant in disease. Therefore, it has been classified as a Variant of Uncertain Significance.